The following is an entry in ClinVar:

NM_000090.4(COL3A1):c.3865G>A (p.Ala1289Thr)

Gene: COL3A1 (collagen type III alpha 1 chain; plus strand). Cytogenetic location: 2q32.2.
Variant type: single nucleotide variant.
Coding change: c.3865G>A on transcript NM_000090.4 (MANE Select); coding-DNA position 3865, G replaced by A.
Protein change: p.Ala1289Thr; replaces alanine 1289 with threonine.
Molecular consequence: missense variant.
Genome position (GRCh38, 1-based): chr2:189,010,219, G>A. VCF-style: chr2-189010219-G-A. GRCh37 (hg19) VCF-style: chr2-189874945-G-A.
Other names: short protein forms A1289T.
Identifiers: ClinVar variation 4758180 (VCV004758180.1).

ClinVar aggregate classification (germline): Uncertain significance (1 of 4 stars; one submission).

Conditions:
Familial thoracic aortic aneurysm and aortic dissection (TAAD). Also called: Thoracic aortic aneurysms and dissections. Identifiers: Orphanet 91387, MedGen C4707243, MONDO:0019625.

Submission:

Color Diagnostics, LLC DBA Color Health
Classification: Uncertain significance for Familial thoracic aortic aneurysm and aortic dissection. Last evaluated: 2025-10-05. Review status: criteria provided, single submitter. Criteria: ACMG Guidelines, 2015. Collection method: clinical testing. Allele origin: germline.
Comment: This missense variant replaces alanine with threonine at codon 1289 of the COL3A1 protein. Computational prediction suggests that this variant may have deleterious impact on protein structure and function. To our knowledge, functional studies have not been reported for this variant. This variant has not been reported in individuals affected with COL3A1-related disorders in the literature. This variant has not been identified in the general population by the Genome Aggregation Database (gnomAD). The available evidence is insufficient to determine the role of this variant in disease conclusively. Therefore, this variant is classified as a Variant of Uncertain Significance.